The following is an entry in ClinVar:

NM_001306084.2(CFAP54):c.1945C>T (p.Gln649Ter)

Gene: CFAP54 (cilia and flagella associated protein 54; plus strand). Cytogenetic location: 12q23.1.
Variant type: single nucleotide variant.
Coding change: c.1945C>T on transcript NM_001306084.2 (MANE Select); coding-DNA position 1945, C replaced by T.
Protein change: p.Gln649Ter; replaces glutamine 649 with a stop codon.
Molecular consequence: nonsense.
Genome position (GRCh38, 1-based): chr12:96,540,855, C>T. VCF-style: chr12-96540855-C-T. GRCh37 (hg19) VCF-style: chr12-96934633-C-T.
Other names: c.1945C>T, p.Gln649Ter (NM_001367885.1); short protein forms Q649*.
Identifiers: ClinVar variation 4850627 (VCV004850627.1).

ClinVar aggregate classification (germline): Likely pathogenic (1 of 4 stars; one submission).

Conditions:
Ciliary dyskinesia, primary, 54. Identifiers: MedGen C6012704, MONDO:0100607, OMIM 621125.
Spermatogenic failure 98. Identifiers: MedGen C6012703, MONDO:0700290, OMIM 621124.

gnomAD v4.1: 7 of 1,452,184 alleles (0.00048%); highest among the groups gnomAD compares: Non-Finnish European, 0.00063%; no homozygotes.

Submission:

First Genomix Gene Laboratory, Genetic Diagnostics Department
Classification: Likely pathogenic for Ciliary dyskinesia, primary, 54; Spermatogenic failure 98. Last evaluated: 2025-12-31. Review status: criteria provided, single submitter. Criteria: ACMG Guidelines, 2015. Collection method: clinical testing. Allele origin: germline. Inheritance: Autosomal recessive inheritance. Affected: no. Observed: 1 variant allele.